The following is an entry in ClinVar:

ClinVar aggregate classification (germline): Pathogenic/Likely pathogenic. Review status: criteria provided, multiple submitters, no conflicts (2 of 4 stars). 10 submissions from 9 submitters: Pathogenic (3); Likely pathogenic (2). 5 of the submissions do not count toward it. Last evaluated 2025-12-01.

Conditions:
LRP5-related disorder. Also called: LRP5-related condition.
Skeletal dysplasia. Also called: Primary bone dysplasia. Identifiers: Orphanet 364526, MedGen C0410528, MONDO:0018230, HP:0002652.
Autosomal dominant osteopetrosis 1 (OPTA1). Also called: OSTEOPETROSIS, AUTOSOMAL DOMINANT, TYPE I. Identifiers: Orphanet 2783, MedGen C1843330, MONDO:0011877, OMIM 607634.
Worth disease. Also called: OSTEOSCLEROSIS, AUTOSOMAL DOMINANT; ENDOSTEAL HYPEROSTOSIS, AUTOSOMAL DOMINANT; Autosomal dominant osteosclerosis, Worth type. Identifiers: Orphanet 2790, MedGen C0432273, MONDO:0007764, OMIM 144750.

Allele frequency attached by ClinVar (database versions not stated): gnomAD exomes below 0.00001.
gnomAD v4.1: 1 of 1,612,976 alleles (0.000062%); highest among the groups gnomAD compares: Non-Finnish European, 0.000085%; no homozygotes.

Submissions (10):

Labcorp Genetics (formerly Invitae), Labcorp
Classification: Likely pathogenic. Last evaluated: 2025-12-01. Review status: criteria provided, single submitter. Criteria: Invitae Variant Classification Sherloc (09022015). Collection method: clinical testing. Allele origin: germline.
Comment: This sequence change replaces alanine, which is neutral and non-polar, with threonine, which is neutral and polar, at codon 242 of the LRP5 protein (p.Ala242Thr). This variant is not present in population databases (gnomAD no frequency). This missense change has been observed in individual(s) with clinical features of autosomal dominant high bone mass syndromes (PMID: 12579474, 23318847, 26348019, 37334733, 38625381). It has also been observed to segregate with disease in related individuals. ClinVar contains an entry for this variant (Variation ID: 6282). Invitae Evidence Modeling of protein sequence and biophysical properties (such as structural, functional, and spatial information, amino acid conservation, physicochemical variation, residue mobility, and thermodynamic stability) indicates that this missense variant is expected to disrupt LRP5 protein function with a positive predictive value of 95%. Experimental studies have shown that this missense change affects LRP5 function (PMID: 18521528, 38909879). In summary, the currently available evidence indicates that the variant is pathogenic, but additional data are needed to prove that conclusively. Therefore, this variant has been classified as Likely Pathogenic.

Blueprint Genetics
Classification: Pathogenic for LRP5-related disorders. Last evaluated: 2024-08-21. Review status: criteria provided, single submitter. Criteria: ACMG Guidelines, 2015. Collection method: clinical testing. Allele origin: germline. Affected: yes. Observed: 2 variant alleles.

Institute of Human Genetics, University of Leipzig Medical Center
Classification: Likely pathogenic for Worth disease. Last evaluated: 2020-11-09. Review status: criteria provided, single submitter. Criteria: ACMG Guidelines, 2015. Collection method: clinical testing. Allele origin: unknown. Affected: yes.

Cambridge Genomics Laboratory, East Genomic Laboratory Hub, NHS Genomic Medicine Service
Classification: Pathogenic for Skeletal dysplasia. Last evaluated: 2019-11-25. Review status: criteria provided, single submitter. Criteria: ACGS Best Practice Guidelines for Variant Classification in Rare Disease 2020. Collection method: clinical testing. Allele origin: germline. Affected: yes. Observed: 1 variant allele.

GeneDx
Classification: Pathogenic. Last evaluated: 2018-10-01. Review status: criteria provided, single submitter. Criteria: GeneDx Variant Classification (06012015). Collection method: clinical testing. Allele origin: germline. Affected: yes.
Comment: The A242T variant in the LRP5 gene has been report previous in numerous patients diagnosed with high bone mass, osteopetrosis, osteosclerosis, endosteal hyperostosis, and Van Buchem disease (Wang et al., 2013; Gregson et al., 2016; Van et al., 2003). In virtro functional studies demonstrated that protein harboring the A242T variant undergoes post-translational modification at a significantly lower level than wild-type and has significantly reduced interactions DKK1 protein in comparison to wild-type (Ai et al., 2005). The A242T variant was not observed in approximately 6,500 individuals of European and African American ancestry in the NHLBI Exome Sequencing Project, indicating it is not a common benign variant in these populations. The A242T variant is a non-conservative amino acid substitution, which is likely to impact secondary protein structure as these residues differ in polarity, charge, size and/or other properties. This substitution occurs at a position that is conserved across species. In silico analysis predicts this variant is probably damaging to the protein structure/function.Therefore, this variant is pathogenic.

PreventionGenetics, part of Exact Sciences
Classification: Pathogenic for LRP5-related condition. Last evaluated: 2024-08-02. Review status: no assertion criteria provided. Collection method: clinical testing. Allele origin: germline. Not counted in ClinVar's aggregate classification.
Comment: The LRP5 c.724G>A variant is predicted to result in the amino acid substitution p.Ala242Thr. This variant has been reported to be causative for endosteal hyperostosis, osteopetrosis, and osteosclerosis phenotypes in an autosomal dominant manner in multiple families (van Wesenbeeck et al. 2003. PubMed ID: 12579474; Wang et al. 2013. PubMed ID: 23318847; Gregson et al. 2015. PubMed ID: 26348019). This variant has not been reported in a large population database, indicating this variant is rare. This variant is interpreted as pathogenic.

OMIM
Classification: Pathogenic for ENDOSTEAL HYPEROSTOSIS, AUTOSOMAL DOMINANT. Last evaluated: 2003-03-01. Review status: no assertion criteria provided. Collection method: literature only. Allele origin: germline. Not counted in ClinVar's aggregate classification.

OMIM
Classification: Pathogenic for OSTEOPETROSIS, AUTOSOMAL DOMINANT 1. Last evaluated: 2003-03-01. Review status: no assertion criteria provided. Collection method: literature only. Allele origin: germline. Not counted in ClinVar's aggregate classification.

Diagnostic Laboratory, Department of Genetics, University Medical Center Groningen
Classification: Pathogenic. Review status: no assertion criteria provided. Collection method: clinical testing. Allele origin: germline. Affected: yes. Study: VKGL Data-share Consensus. Not counted in ClinVar's aggregate classification.

Genome Diagnostics Laboratory, Amsterdam University Medical Center
Classification: Pathogenic. Review status: no assertion criteria provided. Collection method: clinical testing. Allele origin: germline. Affected: yes. Study: VKGL Data-share Consensus. Not counted in ClinVar's aggregate classification.

Literature cited by the submitters: PubMed 12579474 (cited by Labcorp Genetics (formerly Invitae), Labcorp and OMIM); PubMed 23318847 (cited by Labcorp Genetics (formerly Invitae), Labcorp); PubMed 26348019 (cited by Labcorp Genetics (formerly Invitae), Labcorp); PubMed 37334733 (cited by Labcorp Genetics (formerly Invitae), Labcorp); PubMed 38625381 (cited by Labcorp Genetics (formerly Invitae), Labcorp); PubMed 18521528 (cited by Labcorp Genetics (formerly Invitae), Labcorp); PubMed 38909879 (cited by Labcorp Genetics (formerly Invitae), Labcorp); PubMed 11701785 (cited by OMIM); PubMed 1002767 (cited by OMIM); PubMed 12015390 (cited by OMIM); PubMed 10434540 (cited by OMIM).

NM_002335.4(LRP5):c.724G>A (p.Ala242Thr)

Gene: LRP5 (LDL receptor related protein 5; plus strand). Cytogenetic location: 11q13.2.
Variant type: single nucleotide variant.
Coding change: c.724G>A on transcript NM_002335.4 (MANE Select); coding-DNA position 724, G replaced by A.
Protein change: p.Ala242Thr; replaces alanine 242 with threonine.
Molecular consequence: missense variant. On other transcripts: 5 prime UTR variant (1).
Genome position (GRCh38, 1-based): chr11:68,363,784, G>A. VCF-style: chr11-68363784-G-A. GRCh37 (hg19) VCF-style: chr11-68131252-G-A.
Other names: c.-1042G>A (NM_001291902.2); c.724G>A (NM_002335.3); short protein forms A242T.
Identifiers: ClinVar variation 6282 (VCV000006282.12), dbSNP rs121908670, ClinGen allele CA118097.
Genomic context (GRCh38, chr11:68,363,784, plus strand): 5'-CCACCCCGCTTCCCTGACTGCAGGCAGAAGGTGGTGGAGGGCAGCCTGACGCACCCCTTC[G>A]CCCTGACGCTCTCCGGGGACACTCTGTACTGGACAGACTGGCAGACCCGCTCCATCCATG-3'
Protein context (NP_002326.2, residues 232-252): VVEGSLTHPF[Ala242Thr]LTLSGDTLYW